The following is an entry in ClinVar:

NM_004304.5(ALK):c.2143G>A (p.Gly715Arg)

Gene: ALK (ALK receptor tyrosine kinase; minus strand). Cytogenetic location: 2p23.2.
Variant type: single nucleotide variant.
Coding change: c.2143G>A on transcript NM_004304.5 (MANE Select); coding-DNA position 2143, G replaced by A.
Protein change: p.Gly715Arg; replaces glycine 715 with arginine.
Molecular consequence: missense variant.
Genome position (GRCh38, 1-based): chr2:29,251,166, C>T on the plus strand (G>A on the coding strand, the complement: ALK is on the minus strand). VCF-style: chr2-29251166-C-T. GRCh37 (hg19) VCF-style: chr2-29474032-C-T.
Other names: c.2143G>A (NM_004304.4); short protein forms G715R.
Identifiers: ClinVar variation 1944984 (VCV001944984.6), dbSNP rs1252096909, ClinGen allele CA346476886.

ClinVar aggregate classification (germline): Uncertain significance. Review status: criteria provided, multiple submitters, no conflicts (2 of 4 stars). 2 submissions from 2 submitters: Uncertain significance (2). Last evaluated 2025-06-24.

Conditions:
Neuroblastoma, susceptibility to, 3. Also called: ALK-Related Neuroblastic Tumor Susceptibility. Identifiers: Orphanet 635, MedGen C2751681, MONDO:0013083, OMIM 613014.
Hereditary cancer-predisposing syndrome. Also called: Neoplastic Syndromes, Hereditary; Hereditary neoplastic syndrome; Tumor predisposition; Hereditary Cancer Syndrome. Identifiers: Orphanet 140162, MedGen C0027672, MeSH D009386, MONDO:0015356.

Allele frequency attached by ClinVar (database versions not stated): gnomAD exomes below 0.00001.
gnomAD v4.1: 5 of 1,614,132 alleles (0.00031%); highest among the groups gnomAD compares: East Asian, 0.0022%; no homozygotes.

Submissions (2):

Ambry Genetics
Classification: Uncertain significance for Hereditary cancer-predisposing syndrome. Last evaluated: 2025-06-24. Review status: criteria provided, single submitter. Criteria: Ambry Variant Classification Scheme 2023. Collection method: clinical testing. Allele origin: germline.
Comment: The p.G715R variant (also known as c.2143G>A), located in coding exon 12 of the ALK gene, results from a G to A substitution at nucleotide position 2143. The glycine at codon 715 is replaced by arginine, an amino acid with dissimilar properties. This amino acid position is well conserved in available vertebrate species. In addition, this alteration is predicted to be deleterious by in silico analysis. Based on the available evidence, the clinical significance of this variant remains unclear.

Labcorp Genetics (formerly Invitae), Labcorp
Classification: Uncertain significance for Neuroblastoma, susceptibility to, 3. Last evaluated: 2022-01-17. Review status: criteria provided, single submitter. Criteria: Invitae Variant Classification Sherloc (09022015). Collection method: clinical testing. Allele origin: germline.
Comment: In summary, the available evidence is currently insufficient to determine the role of this variant in disease. Therefore, it has been classified as a Variant of Uncertain Significance. Algorithms developed to predict the effect of missense changes on protein structure and function (SIFT, PolyPhen-2, Align-GVGD) all suggest that this variant is likely to be disruptive. This variant has not been reported in the literature in individuals affected with ALK-related conditions. The frequency data for this variant in the population databases is considered unreliable, as metrics indicate poor data quality at this position in the gnomAD database. This sequence change replaces glycine, which is neutral and non-polar, with arginine, which is basic and polar, at codon 715 of the ALK protein (p.Gly715Arg).